The following is an entry in ClinVar:

ClinVar aggregate classification (germline): Uncertain significance (1 of 4 stars; one submission).

Conditions:
Cardiovascular phenotype. Identifiers: MedGen CN230736.

Allele frequency attached by ClinVar (database versions not stated): gnomAD exomes below 0.00001.

Submission:

Ambry Genetics
Classification: Uncertain significance for Cardiovascular phenotype. Last evaluated: 2023-04-14. Review status: criteria provided, single submitter. Criteria: Ambry Variant Classification Scheme 2023. Collection method: clinical testing. Allele origin: germline.
Comment: The p.E401K variant (also known as c.1201G>A), located in coding exon 17 of the TRDN gene, results from a G to A substitution at nucleotide position 1201. The glutamic acid at codon 401 is replaced by lysine, an amino acid with similar properties. This amino acid position is conserved. In addition, this alteration is predicted to be tolerated by in silico analysis. Since supporting evidence is limited at this time, the clinical significance of this alteration remains unclear.

NM_006073.4(TRDN):c.1201G>A (p.Glu401Lys)

Gene: TRDN (triadin; minus strand). Cytogenetic location: 6q22.31.
Variant type: single nucleotide variant.
Coding change: c.1201G>A on transcript NM_006073.4 (MANE Select); coding-DNA position 1201, G replaced by A.
Protein change: p.Glu401Lys; replaces glutamic acid 401 with lysine.
Molecular consequence: missense variant.
Genome position (GRCh38, 1-based): chr6:123,377,884, C>T on the plus strand (G>A on the coding strand, the complement: TRDN is on the minus strand). VCF-style: chr6-123377884-C-T. GRCh37 (hg19) VCF-style: chr6-123699029-C-T.
Other names: c.1204G>A, p.Glu402Lys (NM_001251987.2); c.1144G>A, p.Glu382Lys (NM_001407315.1); short protein forms E382K, E402K, E401K.
Identifiers: ClinVar variation 2562971 (VCV002562971.2), dbSNP rs2533837682, ClinGen allele CA365566615.
Genomic context (GRCh38, chr6:123,377,884, plus strand): 5'-TATTATGAAATTGTGAGAACAGAGGAATTTAAAAACAGTTACCTGGTTCCACATGTTTTT[C>T]TTTCTTTTCCTGTTCTGAAACATATTATTATTGTTATTATTATTATCGTTATTATTCTAA-3'
Protein context (NP_006064.2, residues 391-411): QPKGKKQEKK[Glu401Lys]KHVEPAKSPK